The following is an entry in ClinVar:

ClinVar aggregate classification (germline): Uncertain significance (1 of 4 stars; one submission).

Conditions:
Agammaglobulinemia 3, autosomal recessive (AGM3). Also called: AGAMMAGLOBULINEMIA 3; AGAMMAGLOBULINEMIA, AUTOSOMAL RECESSIVE, DUE TO CD79A DEFECT. Identifiers: MedGen C3150751, MONDO:0013288, OMIM 613501.

Allele frequency attached by ClinVar (database versions not stated): TOPMed below 0.00001.

Submission:

Labcorp Genetics (formerly Invitae), Labcorp
Classification: Uncertain significance for Agammaglobulinemia 3, autosomal recessive. Last evaluated: 2020-03-06. Review status: criteria provided, single submitter. Criteria: Invitae Variant Classification Sherloc (09022015). Collection method: clinical testing. Allele origin: germline.
Comment: This sequence change replaces serine with threonine at codon 22 of the CD79A protein (p.Ser22Thr). The serine residue is highly conserved and there is a small physicochemical difference between serine and threonine. This variant is not present in population databases (ExAC no frequency). This variant has not been reported in the literature in individuals with CD79A-related disease. Algorithms developed to predict the effect of missense changes on protein structure and function are either unavailable or do not agree on the potential impact of this missense change (SIFT: "Tolerated"; PolyPhen-2: "Possibly Damaging"; Align-GVGD: "Class C0"). In summary, the available evidence is currently insufficient to determine the role of this variant in disease. Therefore, it has been classified as a Variant of Uncertain Significance.

NM_001783.4(CD79A):c.64T>A (p.Ser22Thr)

Genes: CD79A (CD79a molecule; plus strand), RPS19-CD79A (RPS19-CD79A readthrough; plus strand). Cytogenetic location: 19q13.2.
Variant type: single nucleotide variant.
Coding change: c.64T>A on transcript NM_001783.4 (MANE Select); coding-DNA position 64, T replaced by A.
Protein change: p.Ser22Thr; replaces serine 22 with threonine.
Molecular consequence: missense variant.
Genome position (GRCh38, 1-based): chr19:41,877,368, T>A. VCF-style: chr19-41877368-T-A. GRCh37 (hg19) VCF-style: chr19-42381438-T-A.
Other names: c.64T>A, p.Ser22Thr (NM_021601.4); short protein forms S22T.
Identifiers: ClinVar variation 664433 (VCV000664433.8), dbSNP rs1600629998, ClinGen allele CA406032179.